The following is an entry in ClinVar:

ClinVar aggregate classification (germline): Uncertain significance (1 of 4 stars; one submission).

Conditions:
Congenital portosystemic shunt. Identifiers: Orphanet 480531, MedGen C1290495, MONDO:0018811.

Submission:

Department of Pediatrics, Graduate School of Medical Sciences, Kyushu University
Classification: Uncertain significance for Congenital portosystemic shunt. Last evaluated: 2026-02-27. Review status: criteria provided, single submitter. Criteria: ACMG Guidelines, 2015. Collection method: research. Allele origin: germline. Affected: yes.
Comment: The variant is absent or extremely rare in population databases including gnomAD. In silico prediction tools, including CADD, suggest a deleterious effect on the protein. However, the association between this gene and CPSS has not been established. Therefore, the clinical significance of this variant is currently classified as a variant of uncertain significance (VUS).

NM_001168474.2(TAF7L):c.896A>G (p.Glu299Gly)

Gene: TAF7L (TATA-box binding protein associated factor 7 like; minus strand). Cytogenetic location: Xq22.1.
Variant type: single nucleotide variant.
Coding change: c.896A>G on transcript NM_001168474.2 (MANE Select); coding-DNA position 896, A replaced by G.
Protein change: p.Glu299Gly; replaces glutamic acid 299 with glycine.
Molecular consequence: missense variant. On other transcripts: intron variant (1).
Genome position (GRCh38, 1-based): chrX:101,276,324, T>C on the plus strand (A>G on the coding strand, the complement: TAF7L is on the minus strand). VCF-style: chrX-101276324-T-C. GRCh37 (hg19) VCF-style: chrX-100531312-T-C.
Other names: c.1154A>G, p.Glu385Gly (NM_024885.4); c.692-212A>G (NM_001410720.1); short protein forms E299G, E385G.
Identifiers: ClinVar variation 4813102 (VCV004813102.1).